The following is an entry in ClinVar:

NM_198282.4(STING1):c.862G>A (p.Ala288Thr)

Gene: STING1 (stimulator of interferon response cGAMP interactor 1; minus strand). Cytogenetic location: 5q31.2.
Variant type: single nucleotide variant.
Coding change: c.862G>A on transcript NM_198282.4 (MANE Select); coding-DNA position 862, G replaced by A.
Protein change: p.Ala288Thr; replaces alanine 288 with threonine.
Molecular consequence: missense variant. On other transcripts: intron variant (1).
Genome position (GRCh38, 1-based): chr5:139,477,413, C>T on the plus strand (G>A on the coding strand, the complement: STING1 is on the minus strand). VCF-style: chr5-139477413-C-T. GRCh37 (hg19) VCF-style: chr5-138856998-C-T.
Other names: c.505G>A, p.Ala169Thr (NM_001367258.1); c.759+857G>A (NM_001301738.2); short protein forms A288T, A169T.
Identifiers: ClinVar variation 2909869 (VCV002909869.3), dbSNP rs2547062052, ClinGen allele CA361479576.

ClinVar aggregate classification (germline): Uncertain significance (1 of 4 stars; one submission).

Conditions:
STING-associated vasculopathy with onset in infancy. Also called: Sting-associated vasculopathy, infantile-onset. Identifiers: Orphanet 425120, MedGen C4014722, MONDO:0014405, OMIM 615934.

Allele frequency attached by ClinVar (database versions not stated): gnomAD exomes below 0.00001.
gnomAD v4.1: 2 of 1,614,206 alleles (0.00012%); highest among the groups gnomAD compares: Non-Finnish European, 0.000085%; no homozygotes.

Submission:

Labcorp Genetics (formerly Invitae), Labcorp
Classification: Uncertain significance for STING-associated vasculopathy with onset in infancy. Last evaluated: 2025-05-05. Review status: criteria provided, single submitter. Criteria: Invitae Variant Classification Sherloc (09022015). Collection method: clinical testing. Allele origin: germline.
Comment: This sequence change replaces alanine, which is neutral and non-polar, with threonine, which is neutral and polar, at codon 288 of the TMEM173 protein (p.Ala288Thr). This variant is not present in population databases (gnomAD no frequency). This variant has not been reported in the literature in individuals affected with TMEM173-related conditions. ClinVar contains an entry for this variant (Variation ID: 2909869). Invitae Evidence Modeling of protein sequence and biophysical properties (such as structural, functional, and spatial information, amino acid conservation, physicochemical variation, residue mobility, and thermodynamic stability) indicates that this missense variant is not expected to disrupt TMEM173 protein function with a negative predictive value of 80%. In summary, the available evidence is currently insufficient to determine the role of this variant in disease. Therefore, it has been classified as a Variant of Uncertain Significance.